The following is an entry in ClinVar:

ClinVar aggregate classification (germline): Conflicting classifications of pathogenicity. Review status: criteria provided, conflicting classifications (1 of 4 stars). 2 submissions from 2 submitters: Uncertain significance (1); Likely benign (1). Last evaluated 2024-10-31.

Allele frequency attached by ClinVar (database versions not stated): gnomAD exomes below 0.00001.
gnomAD v4.1: 1 of 1,329,904 alleles (0.000075%); highest among the groups gnomAD compares: South Asian, 0.0012%; no homozygotes.

Submissions (2):

GeneDx
Classification: Uncertain significance. Last evaluated: 2024-10-31. Review status: criteria provided, single submitter. Criteria: GeneDx Variant Classification Process June 2021. Collection method: clinical testing. Allele origin: germline. Affected: yes.
Comment: Not observed at significant frequency in large population cohorts (gnomAD); In silico analysis indicates that this missense variant does not alter protein structure/function; Has not been previously published as pathogenic or benign to our knowledge

Labcorp Genetics (formerly Invitae), Labcorp
Classification: Likely benign. Last evaluated: 2024-02-17. Review status: criteria provided, single submitter. Criteria: Invitae Variant Classification Sherloc (09022015). Collection method: clinical testing. Allele origin: germline.

NM_080680.3(COL11A2):c.812T>G (p.Leu271Arg)

Gene: COL11A2 (collagen type XI alpha 2 chain; minus strand). Cytogenetic location: 6p21.32.
Variant type: single nucleotide variant.
Coding change: c.812T>G on transcript NM_080680.3 (MANE Select); coding-DNA position 812, T replaced by G.
Protein change: p.Leu271Arg; replaces leucine 271 with arginine.
Molecular consequence: missense variant. On other transcripts: 5 prime UTR variant (3), intron variant (2).
Genome position (GRCh38, 1-based): chr6:33,185,765, A>C on the plus strand (T>G on the coding strand, the complement: COL11A2 is on the minus strand). VCF-style: chr6-33185765-A-C. GRCh37 (hg19) VCF-style: chr6-33153542-A-C.
Other names: c.-35T>G (NM_001424111.1, NM_001424109.1, NM_001424110.1); c.798+862T>G (NM_080679.3); c.799-711T>G (NM_080681.3); c.812T>G, p.Leu271Arg (NM_001424108.1); c.812T>G (NM_080680.2); short protein forms L271R.
Identifiers: ClinVar variation 2838616 (VCV002838616.4), dbSNP rs1318659706, ClinGen allele CA363609681.
Genomic context (GRCh38, chr6:33,185,765, plus strand): 5'-TAATCAGGGGTTGTCCCCGTAGTCATCACATCATAATAGGGGGGCTCGTAGTCATAGTAG[A>C]GAGACTCAGTGGGCTGGGATTGGGGGGTGGGCATAGACAGGAAGGGGATGGGGTAATTGG-3'
Protein context (NP_542411.2, residues 261-281): QEPQSQPTES[Leu271Arg]YYDYEPPYYD